The following is an entry in ClinVar:

NM_001244008.2(KIF1A):c.4781C>T (p.Ser1594Leu)

Gene: KIF1A (kinesin family member 1A; minus strand). Cytogenetic location: 2q37.3.
Variant type: single nucleotide variant.
Coding change: c.4781C>T on transcript NM_001244008.2 (MANE Select); coding-DNA position 4781, C replaced by T.
Protein change: p.Ser1594Leu; replaces serine 1594 with leucine.
Molecular consequence: missense variant.
Genome position (GRCh38, 1-based): chr2:240,721,001, G>A on the plus strand (C>T on the coding strand, the complement: KIF1A is on the minus strand). VCF-style: chr2-240721001-G-A. GRCh37 (hg19) VCF-style: chr2-241660418-G-A.
Other names: p.Ser1493Leu; c.4505C>T, p.Ser1502Leu (NM_001320705.2, NM_001379649.1); c.4532C>T, p.Ser1511Leu (NM_001330289.2); c.4580C>T, p.Ser1527Leu (NM_001330290.2, NM_001379648.1); c.4856C>T, p.Ser1619Leu (NM_001379631.1); c.4757C>T, p.Ser1586Leu (NM_001379632.1); c.4754C>T, p.Ser1585Leu (NM_001379633.1, NM_001379645.1); c.4607C>T, p.Ser1536Leu (NM_001379634.1); and 10 more; short protein forms S1493L, S1594L, S1511L, S1502L, S1527L, S1492L, S1501L, S1510L.
Identifiers: ClinVar variation 211290 (VCV000211290.32), dbSNP rs201825284, ClinGen allele CA205958.
Genomic context (GRCh38, chr2:240,721,001, plus strand): 5'-TCAACCAGAGAGGGGCAAGTGGAGGAGGGGGTGAGAGTGGCCACCCCTAGAGGGGACATC[G>A]ACGGGTCCCGGAGCAGGGTGACAGACATCTCGGAGAGCTGCGGAGGAGAGGCCTTTTTCA-3'
Protein context (NP_001230937.1, residues 1584-1604): EMSVTLLRDP[Ser1594Leu]MSPLGVATLT

ClinVar aggregate classification (germline): Conflicting classifications of pathogenicity. Review status: criteria provided, conflicting classifications (1 of 4 stars). 8 submissions from 8 submitters: Uncertain significance (7); Likely benign (1). Last evaluated 2026-09-01.

Conditions:
Inborn genetic diseases. Identifiers: MedGen C0950123, MeSH D030342.
KIF1A-related disorder. Also called: KIF1A-related disorders; KIF1A-related condition.
Neuropathy, hereditary sensory, type 2C. Also called: Hereditary sensory and autonomic neuropathy type IIC; KIF1A-Related HSAN2 (HSAN2C). Identifiers: Orphanet 970, MedGen C3280168, MONDO:0013634, OMIM 614213.
Intellectual disability, autosomal dominant 9 (NESCAVS). Also called: NESCAV SYNDROME; KIF1A-Related Neurodevelopmental Disorder. Identifiers: Orphanet 662367, MedGen C5393830, MONDO:0013656, OMIM 614255.
Hereditary spastic paraplegia 30. Identifiers: Orphanet 101010, MedGen C5235139, MONDO:0012476.
Hereditary spastic paraplegia. Also called: Familial spastic paraparesis. Identifiers: Orphanet 685, MedGen C0037773, MONDO:0019064. Disease mechanism: loss of function.

Allele frequency attached by ClinVar (database versions not stated): gnomAD 0.00048; gnomAD exomes 0.00015 and 0.00026; ESP Exome Variant Server 0.00024; ExAC 0.00030; 1000 Genomes Project 0.00040; TOPMed 0.00040; 1000 Genomes Project 30x 0.00047.
gnomAD v4.1: 284 of 1,610,976 alleles (0.018%); highest among the groups gnomAD compares: Admixed American, 0.12%; 2 homozygotes.

Submissions (8):

CeGaT Center for Human Genetics Tuebingen
Classification: Uncertain significance. Last evaluated: 2026-09-01. Review status: criteria provided, single submitter. Criteria: CeGaT Center For Human Genetics Tuebingen Variant Classification Criteria Version 2. Collection method: clinical testing. Allele origin: germline. Affected: yes. Observed: 2 variant alleles.

PreventionGenetics, part of Exact Sciences
Classification: Uncertain significance for KIF1A-related condition. Last evaluated: 2026-04-23. Review status: criteria provided, single submitter. Criteria: ACMG Guidelines, 2015. Collection method: clinical testing. Allele origin: germline.
Comment: The KIF1A c.4781C>T variant is predicted to result in the amino acid substitution p.Ser1594Leu. This variant, also known as c.4478C>T (p.Ser1493Leu) in the alternate transcript NM_004321, has been reported in the compound heterozygous state with another missense variant in the KIF1A gene in an individual with sacral agenesis (Porsch et al. 2016. PubMed ID: 28007035), and in the heterozygous state in an individual with congenital hereditary spastic paraparesis/paraplegias (Nicita et al. 2020. PubMed ID: 32737135). This variant is reported in 0.066% of alleles in individuals of Latino descent in gnomAD. Although we suspect that this variant may be benign, at this time, the clinical significance of this variant is uncertain due to the absence of conclusive functional and genetic evidence.

Labcorp Genetics (formerly Invitae), Labcorp
Classification: Likely benign for Hereditary spastic paraplegia 30; Neuropathy, hereditary sensory, type 2C; Intellectual disability, autosomal dominant 9. Last evaluated: 2026-01-05. Review status: criteria provided, single submitter. Criteria: Invitae Variant Classification Sherloc (09022015). Collection method: clinical testing. Allele origin: germline.

GeneDx
Classification: Uncertain significance. Last evaluated: 2025-01-22. Review status: criteria provided, single submitter. Criteria: GeneDx Variant Classification Process June 2021. Collection method: clinical testing. Allele origin: germline. Affected: yes.
Comment: Reported in a patient in the published literature with caudal regression syndrome who had another KIF1A variant on the opposite allele (in trans); however, the patient also had variants in two other genes that may have been responsible for the phenotype (PMID: 28007035); Identified heterozygous in a patient with congenital spastic paraplegia, intellectual disability, epilepsy, microcephaly, and brain abnormalities in published literature; however, familial segregation information was not available (PMID: 32737135); In silico analysis supports that this missense variant has a deleterious effect on protein structure/function; Also known as p.(S1594L); This variant is associated with the following publications: (PMID: 28007035, 32737135)

Mayo Clinic Laboratories, Mayo Clinic
Classification: Uncertain significance. Last evaluated: 2023-07-18. Review status: criteria provided, single submitter. Criteria: ACMG Guidelines, 2015. Collection method: clinical testing. Allele origin: germline. Observed: 1 variant allele.
Comment: BS2

Ambry Genetics
Classification: Uncertain significance for Inborn genetic diseases. Last evaluated: 2021-10-13. Review status: criteria provided, single submitter. Criteria: Ambry Variant Classification Scheme 2023. Collection method: clinical testing. Allele origin: germline.

Genome Diagnostics Laboratory, The Hospital for Sick Children
Classification: Uncertain significance for Hereditary spastic paraplegia. Last evaluated: 2020-03-01. Review status: criteria provided, single submitter. Criteria: ACMG Guidelines, 2015. Collection method: clinical testing. Allele origin: germline. Affected: yes.

Genetic Services Laboratory, University of Chicago
Classification: Uncertain significance. Last evaluated: 2015-07-29. Review status: criteria provided, single submitter. Criteria: ACMG Guidelines, 2015. Collection method: clinical testing. Allele origin: germline.